The following is an entry in ClinVar:

NM_000051.4(ATM):c.3077+9del

Gene: ATM (ATM serine/threonine kinase; plus strand). Cytogenetic location: 11q22.3.
Variant type: Deletion.
Coding change: c.3077+9del on transcript NM_000051.4 (MANE Select); 9 bases into the intron after coding-DNA position 3077, one base deleted (A; older notation c.3077+9delA).
Molecular consequence: intron variant.
Genome position (GRCh38, 1-based): chr11:108,271,415, A deleted. VCF-style (leftmost placement, unchanged base first): chr11-108271414-CA-C. GRCh37 (hg19) VCF-style: chr11-108142141-CA-C.
Other names: c.3077+9delA (NM_000051.3); c.3077+9del (NM_001351834.2).
Identifiers: ClinVar variation 1508031 (VCV001508031.8), dbSNP rs2081578007, ClinGen allele CA941940744.
Genomic context (GRCh38, chr11:108,271,414, plus strand): 5'-GAGAACACAAGGGATGCTCAAGGACAGTTTCTTACAGTAATTGGAGCATTTTGGTAGGTA[CA>C]GTCTATTTTGTGGTCCTATTTTTCTTTTGCTATCTGTGGATACGAATGCAAGTTTTGTAT-3'

ClinVar aggregate classification (germline): Conflicting classifications of pathogenicity. Review status: criteria provided, conflicting classifications (1 of 4 stars). 3 submissions from 3 submitters: Uncertain significance (2); Likely benign (1). Last evaluated 2025-05-15.

Conditions:
Hereditary cancer-predisposing syndrome. Also called: Neoplastic Syndromes, Hereditary; Hereditary Cancer Syndrome; Tumor predisposition; Hereditary neoplastic syndrome. Identifiers: Orphanet 140162, MedGen C0027672, MeSH D009386, MONDO:0015356.
Familial cancer of breast. Also called: hereditary breast carcinoma; Hereditary breast cancer; BREAST CANCER, FAMILIAL. Identifiers: Orphanet 227535, MedGen C0346153, MONDO:0016419, OMIM 114480. Disease mechanism: loss of function.
Ataxia-telangiectasia syndrome (AT). Also called: Cerebello-oculocutaneous telangiectasia; Immunodeficiency with ataxia telangiectasia; ATAXIA-TELANGIECTASIA, COMPLEMENTATION GROUP A; ATAXIA-TELANGIECTASIA, FRESNO VARIANT; Ataxia-telangiectasia, complementation group E; LOUIS-BAR SYNDROME. Identifiers: Orphanet 100, MedGen C0004135, MONDO:0008840, OMIM 208900.

Allele frequency attached by ClinVar (database versions not stated): TOPMed below 0.00001; gnomAD 0.00001.

Submissions (3):

Labcorp Genetics (formerly Invitae), Labcorp
Classification: Uncertain significance for Ataxia-telangiectasia syndrome. Last evaluated: 2025-05-15. Review status: criteria provided, single submitter. Criteria: Invitae Variant Classification Sherloc (09022015). Collection method: clinical testing. Allele origin: germline.
Comment: This sequence change falls in intron 20 of the ATM gene. It does not directly change the encoded amino acid sequence of the ATM protein. This variant is not present in population databases (gnomAD no frequency). This variant has not been reported in the literature in individuals affected with ATM-related conditions. ClinVar contains an entry for this variant (Variation ID: 1508031). Algorithms developed to predict the effect of sequence changes on RNA splicing suggest that this variant may create or strengthen a splice site. In summary, the available evidence is currently insufficient to determine the role of this variant in disease. Therefore, it has been classified as a Variant of Uncertain Significance.

Myriad Genetics, Inc.
Classification: Likely benign for Familial cancer of breast. Last evaluated: 2024-05-13. Review status: criteria provided, single submitter. Criteria: Myriad Autosomal Dominant, Autosomal Recessive and X-Linked Classification Criteria (2023). Collection method: clinical testing. Allele origin: unknown.
Comment: This variant is considered likely benign. This variant is intronic and is not expected to impact mRNA splicing.

Ambry Genetics
Classification: Uncertain significance for Hereditary cancer-predisposing syndrome. Last evaluated: 2022-05-24. Review status: criteria provided, single submitter. Criteria: Ambry Variant Classification Scheme 2023. Collection method: clinical testing. Allele origin: germline.
Comment: The c.3077+9delA alteration is located in Intron 20 (E) of the ATM gene. This alteration consists of a deletion of 1 nucleotides at nucleotide position c.30779 Intron 20 (E). Based on insufficient or conflicting evidence, the clinical significance of this alteration remains unclear.